The following is an entry in ClinVar:

ClinVar aggregate classification (germline): Uncertain significance (1 of 4 stars; one submission).

gnomAD v4.1: 1 of 1,614,012 alleles (0.000062%); highest among the groups gnomAD compares: Non-Finnish European, 0.000085%; no homozygotes.

Submission:

Labcorp Genetics (formerly Invitae), Labcorp
Classification: Uncertain significance. Last evaluated: 2025-11-17. Review status: criteria provided, single submitter. Criteria: Invitae Variant Classification Sherloc (09022015). Collection method: clinical testing. Allele origin: germline.
Comment: This sequence change replaces leucine, which is neutral and non-polar, with phenylalanine, which is neutral and non-polar, at codon 34 of the UPB1 protein (p.Leu34Phe). This variant is not present in population databases (gnomAD no frequency). This variant has not been reported in the literature in individuals affected with UPB1-related conditions. An algorithm developed to predict the effect of missense changes on protein structure and function (PolyPhen-2) suggests that this variant is likely to be tolerated. In summary, the available evidence is currently insufficient to determine the role of this variant in disease. Therefore, it has been classified as a Variant of Uncertain Significance.

NM_016327.3(UPB1):c.100C>T (p.Leu34Phe)

Gene: UPB1 (beta-ureidopropionase 1; plus strand). Cytogenetic location: 22q11.23.
Variant type: single nucleotide variant.
Coding change: c.100C>T on transcript NM_016327.3 (MANE Select); coding-DNA position 100, C replaced by T.
Protein change: p.Leu34Phe; replaces leucine 34 with phenylalanine.
Molecular consequence: missense variant.
Genome position (GRCh38, 1-based): chr22:24,495,503, C>T. VCF-style: chr22-24495503-C-T. GRCh37 (hg19) VCF-style: chr22-24891471-C-T.
Other names: short protein forms L34F.
Identifiers: ClinVar variation 4722882 (VCV004722882.1).
Genomic context (GRCh38, chr22:24,495,503, plus strand): 5'-GAGAAGCACCTGCCGCTCCCCGACTTGCAGGAAGTGAAGCGCGTTCTCTATGGCAAGGAA[C>T]TCAGGTCCGCAGCCAAGAGGCTAAGCTAATGGGGTCTTGGGGCCACAGAGTGTGGGTCTG-3'
Protein context (NP_057411.1, residues 24-44): EVKRVLYGKE[Leu34Phe]RKLDLPREAF